The following is an entry in ClinVar:

NM_004963.4(GUCY2C):c.3096C>G (p.Asn1032Lys)

Genes: GUCY2C (guanylate cyclase 2C; minus strand), PLBD1-AS1 (PLBD1 antisense RNA 1; plus strand). Cytogenetic location: 12p12.3.
Variant type: single nucleotide variant.
Coding change: c.3096C>G on transcript NM_004963.4 (MANE Select); coding-DNA position 3096, C replaced by G.
Protein change: p.Asn1032Lys; replaces asparagine 1032 with lysine.
Molecular consequence: missense variant.
Genome position (GRCh38, 1-based): chr12:14,613,243, G>C on the plus strand (C>G on the coding strand, the complement: GUCY2C is on the minus strand). VCF-style: chr12-14613243-G-C. GRCh37 (hg19) VCF-style: chr12-14766177-G-C.
Other names: short protein forms N1032K.
Identifiers: ClinVar variation 2890849 (VCV002890849.3), dbSNP rs770022211, ClinGen allele CA6462875.

ClinVar aggregate classification (germline): Uncertain significance (1 of 4 stars; one submission).

Allele frequency attached by ClinVar (database versions not stated): TOPMed below 0.00001; gnomAD exomes 0.00001; gnomAD 0.00001; ExAC 0.00002.
gnomAD v4.1: 15 of 1,613,216 alleles (0.00093%); highest among the groups gnomAD compares: Middle Eastern, 0.033%; no homozygotes.

Submission:

Labcorp Genetics (formerly Invitae), Labcorp
Classification: Uncertain significance. Last evaluated: 2025-06-15. Review status: criteria provided, single submitter. Criteria: Invitae Variant Classification Sherloc (09022015). Collection method: clinical testing. Allele origin: germline.
Comment: This sequence change replaces asparagine, which is neutral and polar, with lysine, which is basic and polar, at codon 1032 of the GUCY2C protein (p.Asn1032Lys). This variant is present in population databases (rs770022211, gnomAD 0.004%). This variant has not been reported in the literature in individuals affected with GUCY2C-related conditions. ClinVar contains an entry for this variant (Variation ID: 2890849). An algorithm developed to predict the effect of missense changes on protein structure and function (PolyPhen-2) suggests that this variant is likely to be tolerated. In summary, the available evidence is currently insufficient to determine the role of this variant in disease. Therefore, it has been classified as a Variant of Uncertain Significance.